The following is an entry in ClinVar:

NM_018105.3(THAP1):c.346A>C (p.Ile116Leu)

Gene: THAP1 (THAP domain containing 1; minus strand). Cytogenetic location: 8p11.21.
Variant type: single nucleotide variant.
Coding change: c.346A>C on transcript NM_018105.3 (MANE Select); coding-DNA position 346, A replaced by C.
Protein change: p.Ile116Leu; replaces isoleucine 116 with leucine.
Molecular consequence: missense variant. On other transcripts: synonymous variant (1).
Genome position (GRCh38, 1-based): chr8:42,838,258, T>G on the plus strand (A>C on the coding strand, the complement: THAP1 is on the minus strand). VCF-style: chr8-42838258-T-G. GRCh37 (hg19) VCF-style: chr8-42693401-T-G.
Other names: c.346A>C (NM_018105.2); c.150A>C, p.Leu50= (NM_199003.2); short protein forms I116L.
Identifiers: ClinVar variation 1471043 (VCV001471043.9), dbSNP rs776431729, ClinGen allele CA4734552.

ClinVar aggregate classification (germline): Uncertain significance. Review status: criteria provided, multiple submitters, no conflicts (2 of 4 stars). 2 submissions from 2 submitters: Uncertain significance (2). Last evaluated 2025-12-08.

Conditions:
Torsion dystonia 6 (DYT6). Also called: DYT-THAP1. Identifiers: Orphanet 98806, MedGen C1414216, MONDO:0011264, OMIM 602629.
Inborn genetic diseases. Identifiers: MedGen C0950123, MeSH D030342.

Allele frequency attached by ClinVar (database versions not stated): gnomAD exomes below 0.00001; ExAC 0.00001; gnomAD 0.00001.

Submissions (2):

Ambry Genetics
Classification: Uncertain significance for Inborn genetic diseases. Last evaluated: 2025-12-08. Review status: criteria provided, single submitter. Criteria: Ambry Variant Classification Scheme 2023. Collection method: clinical testing. Allele origin: germline.

Labcorp Genetics (formerly Invitae), Labcorp
Classification: Uncertain significance for Torsion dystonia 6. Last evaluated: 2020-12-07. Review status: criteria provided, single submitter. Criteria: Invitae Variant Classification Sherloc (09022015). Collection method: clinical testing. Allele origin: germline.
Comment: In summary, the available evidence is currently insufficient to determine the role of this variant in disease. Therefore, it has been classified as a Variant of Uncertain Significance. Algorithms developed to predict the effect of missense changes on protein structure and function (SIFT, PolyPhen-2, Align-GVGD) all suggest that this variant is likely to be tolerated, but these predictions have not been confirmed by published functional studies and their clinical significance is uncertain. This sequence change replaces isoleucine with leucine at codon 116 of the THAP1 protein (p.Ile116Leu). The isoleucine residue is highly conserved and there is a small physicochemical difference between isoleucine and leucine. This variant is present in population databases (rs776431729, ExAC 0.001%). This variant has not been reported in the literature in individuals with THAP1-related conditions.